The following is an entry in ClinVar:

ClinVar aggregate classification (germline): Uncertain significance (1 of 4 stars; one submission).

Allele frequency attached by ClinVar (database versions not stated): ExAC 0.00002; gnomAD 0.00003 and 0.00002; gnomAD exomes 0.00003 and 0.00002; TOPMed 0.00003.
gnomAD v4.1: 52 of 1,613,732 alleles (0.0032%); highest among the groups gnomAD compares: East Asian, 0.0089%; no homozygotes.

Submission:

Labcorp Genetics (formerly Invitae), Labcorp
Classification: Uncertain significance. Last evaluated: 2021-12-02. Review status: criteria provided, single submitter. Criteria: Invitae Variant Classification Sherloc (09022015). Collection method: clinical testing. Allele origin: germline.
Comment: In summary, the available evidence is currently insufficient to determine the role of this variant in disease. Therefore, it has been classified as a Variant of Uncertain Significance. Algorithms developed to predict the effect of missense changes on protein structure and function (SIFT, PolyPhen-2, Align-GVGD) all suggest that this variant is likely to be tolerated. This variant has not been reported in the literature in individuals affected with NUP62-related conditions. This variant is present in population databases (rs768109370, gnomAD 0.02%). This sequence change replaces valine, which is neutral and non-polar, with isoleucine, which is neutral and non-polar, at codon 129 of the NUP62 protein (p.Val129Ile).

NM_016553.5(NUP62):c.385G>A (p.Val129Ile)

Genes: IL4I1 (interleukin 4 induced 1; minus strand), NUP62 (nucleoporin 62; minus strand). Cytogenetic location: 19q13.33.
Variant type: single nucleotide variant.
Coding change: c.385G>A on transcript NM_016553.5 (MANE Select); coding-DNA position 385, G replaced by A.
Protein change: p.Val129Ile; replaces valine 129 with isoleucine.
Molecular consequence: missense variant. On other transcripts: intron variant (3).
Genome position (GRCh38, 1-based): chr19:49,909,423, C>T on the plus strand (G>A on the coding strand, the complement: NUP62 is on the minus strand). VCF-style: chr19-49909423-C-T. GRCh37 (hg19) VCF-style: chr19-50412680-C-T.
Other names: c.385G>A, p.Val129Ile (NM_001193357.2, NM_012346.5, NM_153718.4 and 1 more transcripts); c.-227-5102G>A (NM_001258017.2, NM_172374.3); c.-285-5102G>A (NM_001258018.2); short protein forms V129I.
Identifiers: ClinVar variation 1496078 (VCV001496078.6), dbSNP rs768109370, ClinGen allele CA9589147.